The following is an entry in ClinVar:

ClinVar aggregate classification (germline): Likely pathogenic (1 of 4 stars; one submission).

gnomAD v4.1: 1 of 1,612,310 alleles (0.000062%); highest among the groups gnomAD compares: Middle Eastern, 0.016%; no homozygotes.

Submission:

Labcorp Genetics (formerly Invitae), Labcorp
Classification: Likely pathogenic. Last evaluated: 2025-05-18. Review status: criteria provided, single submitter. Criteria: Invitae Variant Classification Sherloc (09022015). Collection method: clinical testing. Allele origin: germline.
Comment: This sequence change affects a donor splice site in intron 10 of the SKIV2L gene. It is expected to disrupt RNA splicing. Variants that disrupt the donor or acceptor splice site typically lead to a loss of protein function (PMID: 16199547), and loss-of-function variants in SKIV2L are known to be pathogenic (PMID: 22444670). This variant is not present in population databases (gnomAD no frequency). This variant has not been reported in the literature in individuals affected with SKIV2L-related conditions. Algorithms developed to predict the effect of sequence changes on RNA splicing suggest that this variant may disrupt the consensus splice site. In summary, the currently available evidence indicates that the variant is pathogenic, but additional data are needed to prove that conclusively. Therefore, this variant has been classified as Likely Pathogenic.

Literature cited by the submitters: PubMed 16199547; PubMed 22444670.

NM_006929.5(SKIC2):c.1064+2T>C

Genes: SKIC2 (SKI2 subunit of superkiller complex; plus strand), LOC126859653 (CDK7 strongly-dependent group 2 enhancer GRCh37_chr6:31929542-31930741; plus strand). Cytogenetic location: 6p21.33.
Variant type: single nucleotide variant.
Coding change: c.1064+2T>C on transcript NM_006929.5 (MANE Select); the canonical splice donor site of the intron after coding-DNA position 1064, T replaced by C.
Molecular consequence: splice donor variant.
Genome position (GRCh38, 1-based): chr6:31,962,056, T>C. VCF-style: chr6-31962056-T-C. GRCh37 (hg19) VCF-style: chr6-31929833-T-C.
Identifiers: ClinVar variation 4719374 (VCV004719374.1).